The following is an entry in ClinVar:

ClinVar aggregate classification (germline): Uncertain significance (1 of 4 stars; one submission).

Conditions:
Noonan syndrome 9 (NS9). Identifiers: Orphanet 648, MedGen C4225282, MONDO:0014691, OMIM 616559.

Allele frequency attached by ClinVar (database versions not stated): gnomAD exomes below 0.00001.
gnomAD v4.1: 1 of 1,614,136 alleles (0.000062%); highest among the groups gnomAD compares: South Asian, 0.0011%; no homozygotes.

Submission:

Labcorp Genetics (formerly Invitae), Labcorp
Classification: Uncertain significance for Noonan syndrome 9. Last evaluated: 2023-07-30. Review status: criteria provided, single submitter. Criteria: Invitae Variant Classification Sherloc (09022015). Collection method: clinical testing. Allele origin: germline.
Comment: Advanced modeling of protein sequence and biophysical properties (such as structural, functional, and spatial information, amino acid conservation, physicochemical variation, residue mobility, and thermodynamic stability) performed at Invitae indicates that this missense variant is not expected to disrupt SOS2 protein function. In summary, the available evidence is currently insufficient to determine the role of this variant in disease. Therefore, it has been classified as a Variant of Uncertain Significance. This variant has not been reported in the literature in individuals affected with SOS2-related conditions. This variant is not present in population databases (gnomAD no frequency). This sequence change replaces serine, which is neutral and polar, with isoleucine, which is neutral and non-polar, at codon 468 of the SOS2 protein (p.Ser468Ile).

NM_006939.4(SOS2):c.1403G>T (p.Ser468Ile)

Gene: SOS2 (SOS Ras/Rho guanine nucleotide exchange factor 2; minus strand). Cytogenetic location: 14q21.3.
Variant type: single nucleotide variant.
Coding change: c.1403G>T on transcript NM_006939.4 (MANE Select); coding-DNA position 1403, G replaced by T.
Protein change: p.Ser468Ile; replaces serine 468 with isoleucine.
Molecular consequence: missense variant.
Genome position (GRCh38, 1-based): chr14:50,159,880, C>A on the plus strand (G>T on the coding strand, the complement: SOS2 is on the minus strand). VCF-style: chr14-50159880-C-A. GRCh37 (hg19) VCF-style: chr14-50626598-C-A.
Other names: c.1304G>T, p.Ser435Ile (NM_001411020.1); short protein forms S468I, S435I.
Identifiers: ClinVar variation 2889507 (VCV002889507.3), dbSNP rs2502990861, ClinGen allele CA389645861.